The following is an entry in ClinVar:

ClinVar aggregate classification (germline): Uncertain significance (1 of 4 stars; one submission).

Allele frequency attached by ClinVar (database versions not stated): ESP Exome Variant Server 0.00008.
gnomAD v4.1: 46 of 1,611,678 alleles (0.0029%); highest among the groups gnomAD compares: Non-Finnish European, 0.0039%; no homozygotes.

Submission:

Labcorp Genetics (formerly Invitae), Labcorp
Classification: Uncertain significance. Last evaluated: 2025-03-30. Review status: criteria provided, single submitter. Criteria: Invitae Variant Classification Sherloc (09022015). Collection method: clinical testing. Allele origin: germline.
Comment: This sequence change replaces alanine, which is neutral and non-polar, with serine, which is neutral and polar, at codon 41 of the TNFRSF6B protein (p.Ala41Ser). This variant is present in population databases (rs372122002, gnomAD 0.005%). This variant has not been reported in the literature in individuals affected with TNFRSF6B-related conditions. ClinVar contains an entry for this variant (Variation ID: 1923196). An algorithm developed to predict the effect of missense changes on protein structure and function (PolyPhen-2) suggests that this variant is likely to be tolerated. In summary, the available evidence is currently insufficient to determine the role of this variant in disease. Therefore, it has been classified as a Variant of Uncertain Significance.

NM_003823.4(TNFRSF6B):c.121G>T (p.Ala41Ser)

Genes: RTEL1-TNFRSF6B (RTEL1-TNFRSF6B readthrough (NMD candidate); plus strand), TNFRSF6B (TNF receptor superfamily member 6b; plus strand). Cytogenetic location: 20q13.33.
Variant type: single nucleotide variant.
Coding change: c.121G>T on transcript NM_003823.4 (MANE Select); coding-DNA position 121, G replaced by T.
Protein change: p.Ala41Ser; replaces alanine 41 with serine.
Molecular consequence: missense variant. On other transcripts: non-coding transcript variant (1).
Genome position (GRCh38, 1-based): chr20:63,696,888, G>T. VCF-style: chr20-63696888-G-T. GRCh37 (hg19) VCF-style: chr20-62328241-G-T.
Other names: short protein forms A41S.
Identifiers: ClinVar variation 1923196 (VCV001923196.5), dbSNP rs372122002, ClinGen allele CA9966324.